The following is an entry in ClinVar:

NM_016343.4(CENPF):c.2209C>T (p.His737Tyr)

Gene: CENPF (centromere protein F; plus strand). Cytogenetic location: 1q41.
Variant type: single nucleotide variant.
Coding change: c.2209C>T on transcript NM_016343.4 (MANE Select); coding-DNA position 2209, C replaced by T.
Protein change: p.His737Tyr; replaces histidine 737 with tyrosine.
Molecular consequence: missense variant.
Genome position (GRCh38, 1-based): chr1:214,640,547, C>T. VCF-style: chr1-214640547-C-T. GRCh37 (hg19) VCF-style: chr1-214813890-C-T.
Other names: short protein forms H737Y.
Identifiers: ClinVar variation 1039830 (VCV001039830.8), dbSNP rs758829902, ClinGen allele CA1390213.

ClinVar aggregate classification (germline): Uncertain significance (1 of 4 stars; one submission).

Allele frequency attached by ClinVar (database versions not stated): gnomAD exomes below 0.00001 and 0.00001; ExAC 0.00002.
gnomAD v4.1: 3 of 1,614,090 alleles (0.00019%); highest among the groups gnomAD compares: African/African-American, 0.0013%; no homozygotes.

Submission:

Labcorp Genetics (formerly Invitae), Labcorp
Classification: Uncertain significance. Last evaluated: 2023-10-11. Review status: criteria provided, single submitter. Criteria: Invitae Variant Classification Sherloc (09022015). Collection method: clinical testing. Allele origin: germline.
Comment: This sequence change replaces histidine, which is basic and polar, with tyrosine, which is neutral and polar, at codon 737 of the CENPF protein (p.His737Tyr). This variant is present in population databases (rs758829902, gnomAD 0.007%). This variant has not been reported in the literature in individuals affected with CENPF-related conditions. ClinVar contains an entry for this variant (Variation ID: 1039830). An algorithm developed to predict the effect of missense changes on protein structure and function (PolyPhen-2) suggests that this variant is likely to be disruptive. In summary, the available evidence is currently insufficient to determine the role of this variant in disease. Therefore, it has been classified as a Variant of Uncertain Significance.